The following is an entry in ClinVar:

ClinVar aggregate classification (germline): Uncertain significance (1 of 4 stars; one submission).

Conditions:
Leigh syndrome (NULS). Also called: Leigh's necrotizing encephalopathy; Leigh's disease; Leigh Syndrome (mtDNA deletion); Leigh Disease; Subacute necrotizing encephalopathy; Necrotizing encephalopathy infantile subacute of Leigh. Identifiers: Orphanet 506, MedGen C2931891, MONDO:0009723, OMIM 256000.

Submission:

Wong Mito Lab, Molecular and Human Genetics, Baylor College of Medicine
Classification: Uncertain significance for Leigh syndrome. Last evaluated: 2019-10-17. Review status: criteria provided, single submitter. Criteria: Modified ACMG Guidelines (Unpublished). Collection method: clinical testing. Allele origin: germline.
Comment: The NC_012920.1:m.12835G>A (YP_003024036.1:p.Ala167Thr) variant in MTND5 gene is interpretated to be a Uncertain Significance variant based on the modified ACMG guidelines (unpublished). This variant meets the following evidence codes: PP6, PP7

NC_012920.1(MT-ND5):m.12835G>A

Gene: MT-ND5 (mitochondrially encoded NADH dehydrogenase 5; plus strand).
Variant type: single nucleotide variant.
Genome position: chrM-12835-G-A.
Identifiers: ClinVar variation 693487 (VCV000693487.1), dbSNP rs1603223923, ClinGen allele CA414815092.